The following is an entry in ClinVar:

NM_003079.5(SMARCE1):c.157-6_157-5delinsAA

Gene: SMARCE1 (SWI/SNF related, matrix associated, actin dependent regulator of chromatin, subfamily e, member 1; minus strand). Cytogenetic location: 17q21.2.
Variant type: Indel.
Coding change: c.157-6_157-5delinsAA on transcript NM_003079.5 (MANE Select); 6 bases into the intron before coding-DNA position 157 through 5 bases into the intron before coding-DNA position 157, TC replaced by AA.
Molecular consequence: intron variant.
Genome position (GRCh38, 1-based): chr17:40,637,577-40,637,578, GA replaced by TT on the plus strand (TC replaced by AA on the coding strand, the reverse complement: SMARCE1 is on the minus strand). VCF-style: chr17-40637577-GA-TT. GRCh37 (hg19) VCF-style: chr17-38793829-GA-TT.
Identifiers: ClinVar variation 423947 (VCV000423947.1), dbSNP rs1064796712, ClinGen allele CA16620403.

ClinVar aggregate classification (germline): Likely pathogenic (1 of 4 stars; one submission).

Submission:

GeneDx
Classification: Likely pathogenic. Last evaluated: 2017-02-22. Review status: criteria provided, single submitter. Criteria: GeneDx Variant Classification (06012015). Collection method: clinical testing. Allele origin: germline. Affected: yes.
Comment: The c.157-6_157-5delTCinsAA variant in the SMARCE1 gene has not been reported previously as a pathogenic variant, nor as a benign variant, to our knowledge. This variant is predicted to damage or destroy that splice acceptor site in intron 4, and is expected to cause abnormal gene splicing. The c.157-6_157-5delTCinsAA variant is not observed in large population cohorts (Lek et al., 2016; 1000 Genomes Consortium et al., 2015; Exome Variant Server). The c.157-6_157-5delTCinsAA variant is a strong candidate for a pathogenic variant, however the possibility it may be a rare benign variant cannot be excluded.